The following is an entry in ClinVar:

NM_152424.4(AMER1):c.1801C>T (p.Arg601Ter)

Gene: AMER1 (APC membrane recruitment protein 1; minus strand). Cytogenetic location: Xq11.2.
Variant type: single nucleotide variant.
Coding change: c.1801C>T on transcript NM_152424.4 (MANE Select); coding-DNA position 1801, C replaced by T.
Protein change: p.Arg601Ter; replaces arginine 601 with a stop codon.
Molecular consequence: nonsense.
Genome position (GRCh38, 1-based): chrX:64,191,486, G>A on the plus strand (C>T on the coding strand, the complement: AMER1 is on the minus strand). VCF-style: chrX-64191486-G-A. GRCh37 (hg19) VCF-style: chrX-63411366-G-A.
Other names: short protein forms R601*.
Identifiers: ClinVar variation 3900525 (VCV003900525.3).

ClinVar aggregate classification (germline): Likely pathogenic (1 of 4 stars; one submission).
ClinVar aggregate classification (somatic clinical impact): Tier I - Strong (1 of 4 stars; one submission).

Conditions:
Nephroblastoma. Also called: Wilms' tumor; Wilms tumor. Identifiers: Orphanet 654, MedGen C0027708, MeSH D009396, MONDO:0006058, HP:0002667.

Submissions (2):

GeneDx
Classification: Likely pathogenic. Last evaluated: 2026-03-07. Review status: criteria provided, single submitter. Criteria: GeneDx Variant Classification Process June 2021. Collection method: clinical testing. Allele origin: germline.
Comment: Nonsense variant predicted to result in protein truncation as the last 535 amino acid(s) are lost; Has not been previously published as pathogenic or benign to our knowledge; Not observed at significant frequency in large population cohorts (gnomAD)

Institute for Genomic Medicine (IGM) Clinical Laboratory, Nationwide Children's Hospital
Classification: Tier I - Strong for Kidney Wilms tumor. Assertion type: diagnostic. Clinical significance: supports diagnosis. Last evaluated: 2022-09-26. Review status: criteria provided, single submitter. Criteria: AMP/ASCO/CAP Guidelines, 2017. Collection method: clinical testing. Allele origin: somatic. Affected: yes.
Comment: Variant has Tier I (strong) clinical significance as a diagnostic inclusion criterion in Wilms tumor, based on the following evidence: 1) Documented in one or more cancer databases (e.g., St. Jude Pecan, COSMIC, CIViC, OncoKB). 2) Diagnostic for a specific tumor type/classification based on well-powered studies with expert-level consensus (Evidence Level B; PMIDs: 17204608, 18311776, 22470196).

Literature cited by the submitters: PubMed 17204608 (cited by Institute for Genomic Medicine (IGM) Clinical Laboratory, Nationwide Children's Hospital); PubMed 18311776 (cited by Institute for Genomic Medicine (IGM) Clinical Laboratory, Nationwide Children's Hospital); PubMed 22470196 (cited by Institute for Genomic Medicine (IGM) Clinical Laboratory, Nationwide Children's Hospital).